The following is an entry in ClinVar:

ClinVar aggregate classification (germline): Uncertain significance (1 of 4 stars; one submission).

Conditions:
RASopathy. Also called: rasopathies; Noonan spectrum disorder. Identifiers: Orphanet 536391, MedGen C5555857, MONDO:0021060.

Submission:

Labcorp Genetics (formerly Invitae), Labcorp
Classification: Uncertain significance for RASopathy. Last evaluated: 2023-12-23. Review status: criteria provided, single submitter. Criteria: Invitae Variant Classification Sherloc (09022015). Collection method: clinical testing. Allele origin: germline.
Comment: This sequence change replaces leucine, which is neutral and non-polar, with proline, which is neutral and non-polar, at codon 510 of the RAF1 protein (p.Leu510Pro). This variant is not present in population databases (gnomAD no frequency). This variant has not been reported in the literature in individuals affected with RAF1-related conditions. Advanced modeling of protein sequence and biophysical properties (such as structural, functional, and spatial information, amino acid conservation, physicochemical variation, residue mobility, and thermodynamic stability) performed at Invitae indicates that this missense variant is expected to disrupt RAF1 protein function with a positive predictive value of 95%. In summary, the available evidence is currently insufficient to determine the role of this variant in disease. Therefore, it has been classified as a Variant of Uncertain Significance.

NM_002880.4(RAF1):c.1529T>C (p.Leu510Pro)

Gene: RAF1 (Raf-1 proto-oncogene, serine/threonine kinase; minus strand). Cytogenetic location: 3p25.2.
Variant type: single nucleotide variant.
Coding change: c.1529T>C on transcript NM_002880.4 (MANE Select); coding-DNA position 1529, T replaced by C.
Protein change: p.Leu510Pro; replaces leucine 510 with proline.
Molecular consequence: missense variant. On other transcripts: non-coding transcript variant (3).
Genome position (GRCh38, 1-based): chr3:12,585,688, A>G on the plus strand (T>C on the coding strand, the complement: RAF1 is on the minus strand). VCF-style: chr3-12585688-A-G. GRCh37 (hg19) VCF-style: chr3-12627187-A-G.
Other names: c.1589T>C, p.Leu530Pro (NM_001354689.3); c.1529T>C, p.Leu510Pro (NM_001354690.3); c.1286T>C, p.Leu429Pro (NM_001354691.3, NM_001354692.3); c.1430T>C, p.Leu477Pro (NM_001354693.3); c.1346T>C, p.Leu449Pro (NM_001354694.3); c.1187T>C, p.Leu396Pro (NM_001354695.3); short protein forms L510P, L429P, L530P, L396P, L477P, L449P.
Identifiers: ClinVar variation 3003377 (VCV003003377.3), dbSNP rs2125325484, ClinGen allele CA351498794.